The following is an entry in ClinVar:

NM_002439.5(MSH3):c.2780C>T (p.Ala927Val)

Gene: MSH3 (mutS homolog 3; plus strand). Cytogenetic location: 5q14.1.
Variant type: single nucleotide variant.
Coding change: c.2780C>T on transcript NM_002439.5 (MANE Select); coding-DNA position 2780, C replaced by T.
Protein change: p.Ala927Val; replaces alanine 927 with valine.
Molecular consequence: missense variant.
Genome position (GRCh38, 1-based): chr5:80,813,708, C>T. VCF-style: chr5-80813708-C-T. GRCh37 (hg19) VCF-style: chr5-80109527-C-T.
Other names: short protein forms A927V.
Identifiers: ClinVar variation 861951 (VCV000861951.13), dbSNP rs766261257, ClinGen allele CA121307527.

ClinVar aggregate classification (germline): Uncertain significance. Review status: criteria provided, multiple submitters, no conflicts (2 of 4 stars). 4 submissions from 4 submitters: Uncertain significance (4). Last evaluated 2026-01-14.

Conditions:
Endometrial carcinoma. Also called: Endometrial carcinoma, somatic. Identifiers: MedGen C0476089, MONDO:0002447, OMIM 608089, HP:0012114.
Hereditary cancer-predisposing syndrome. Also called: Tumor predisposition; Hereditary neoplastic syndrome; Neoplastic Syndromes, Hereditary; Hereditary Cancer Syndrome. Identifiers: Orphanet 140162, MedGen C0027672, MeSH D009386, MONDO:0015356.

Allele frequency attached by ClinVar (database versions not stated): TOPMed 0.00001; gnomAD 0.00005.
gnomAD v4.1: 16 of 1,613,948 alleles (0.00099%); highest among the groups gnomAD compares: Admixed American, 0.012%; no homozygotes.

Submissions (4):

Labcorp Genetics (formerly Invitae), Labcorp
Classification: Uncertain significance. Last evaluated: 2026-01-14. Review status: criteria provided, single submitter. Criteria: Invitae Variant Classification Sherloc (09022015). Collection method: clinical testing. Allele origin: germline.
Comment: This sequence change replaces alanine, which is neutral and non-polar, with valine, which is neutral and non-polar, at codon 927 of the MSH3 protein (p.Ala927Val). This variant is present in population databases (no rsID available, gnomAD 0.006%). This variant has not been reported in the literature in individuals affected with MSH3-related conditions. ClinVar contains an entry for this variant (Variation ID: 861951). An algorithm developed to predict the effect of missense changes on protein structure and function (PolyPhen-2) suggests that this variant is likely to be disruptive. In summary, the available evidence is currently insufficient to determine the role of this variant in disease. Therefore, it has been classified as a Variant of Uncertain Significance.

GeneDx
Classification: Uncertain significance. Last evaluated: 2025-05-18. Review status: criteria provided, single submitter. Criteria: GeneDx Variant Classification Process June 2021. Collection method: clinical testing. Allele origin: germline. Affected: yes.
Comment: Not observed at significant frequency in large population cohorts (gnomAD); In silico analysis supports that this missense variant has a deleterious effect on protein structure/function; Identified in an individual with breast cancer in published literature (PMID: 39541563); This variant is associated with the following publications: (PMID: 39541563)

Ambry Genetics
Classification: Uncertain significance for Hereditary cancer-predisposing syndrome. Last evaluated: 2025-04-03. Review status: criteria provided, single submitter. Criteria: Ambry Variant Classification Scheme 2023. Collection method: clinical testing. Allele origin: germline.
Comment: The p.A927V variant (also known as c.2780C>T), located in coding exon 20 of the MSH3 gene, results from a C to T substitution at nucleotide position 2780. The alanine at codon 927 is replaced by valine, an amino acid with similar properties. This amino acid position is well conserved in available vertebrate species. In addition, the in silico prediction for this alteration is inconclusive. Based on the available evidence, the clinical significance of this variant remains unclear.

Baylor Genetics
Classification: Uncertain significance for Endometrial carcinoma. Last evaluated: 2023-09-20. Review status: criteria provided, single submitter. Criteria: ACMG Guidelines, 2015. Collection method: clinical testing. Allele origin: unknown.